The following is an entry in ClinVar:

NM_001023.4(RPS20):c.297G>A (p.Lys99=)

Gene: RPS20 (ribosomal protein S20; minus strand). Cytogenetic location: 8q12.1.
Variant type: single nucleotide variant.
Coding change: c.297G>A on transcript NM_001023.4 (MANE Select); coding-DNA position 297, G replaced by A.
Protein change: p.Lys99=; no amino-acid change (lysine 99 retained).
Molecular consequence: synonymous variant.
Genome position (GRCh38, 1-based): chr8:56,073,153, C>T on the plus strand (G>A on the coding strand, the complement: RPS20 is on the minus strand). VCF-style: chr8-56073153-C-T. GRCh37 (hg19) VCF-style: chr8-56985712-C-T.
Other names: c.297G>A, p.Lys99= (NM_001146227.3).
Identifiers: ClinVar variation 1798382 (VCV001798382.6), dbSNP rs1809813751, ClinGen allele CA460823985.

ClinVar aggregate classification (germline): Benign/Likely benign. Review status: criteria provided, multiple submitters, no conflicts (2 of 4 stars). 3 submissions from 3 submitters: Benign (1); Likely benign (2). Last evaluated 2026-08-04.

Conditions:
Familial colorectal cancer type X. Identifiers: Orphanet 440437, MedGen C3896578, MONDO:0018604.

Allele frequency attached by ClinVar (database versions not stated): gnomAD exomes below 0.00001; gnomAD 0.00001.
gnomAD v4.1: 4 of 1,598,544 alleles (0.00025%); highest among the groups gnomAD compares: East Asian, 0.0022%; no homozygotes.

Submissions (3):

Myriad Genetics, Inc.
Classification: Benign for Familial colorectal cancer type X. Last evaluated: 2026-08-04. Review status: criteria provided, single submitter. Criteria: Myriad Autosomal Dominant, Autosomal Recessive and X-Linked Classification Criteria (2023). Collection method: clinical testing. Allele origin: unknown.
Comment: This variant is considered benign. This variant is a silent/synonymous amino acid change and it is not expected to impact splicing.

Labcorp Genetics (formerly Invitae), Labcorp
Classification: Likely benign. Last evaluated: 2022-11-06. Review status: criteria provided, single submitter. Criteria: Invitae Variant Classification Sherloc (09022015). Collection method: clinical testing. Allele origin: germline.

Ambry Genetics
Classification: Likely benign. Last evaluated: 2022-04-02. Review status: criteria provided, single submitter. Criteria: Ambry Variant Classification Scheme 2023. Collection method: clinical testing. Allele origin: germline.